The following is an entry in ClinVar:

ClinVar aggregate classification (germline): Uncertain significance (1 of 4 stars; one submission).

gnomAD v4.1: 1 of 1,210,658 alleles (0.000083%); no homozygotes.

Submission:

CeGaT Center for Human Genetics Tuebingen
Classification: Uncertain significance. Last evaluated: 2023-03-01. Review status: criteria provided, single submitter. Criteria: CeGaT Center For Human Genetics Tuebingen Variant Classification Criteria Version 2. Collection method: clinical testing. Allele origin: germline. Affected: yes. Observed: 1 variant allele.
Comment: BCOR: PM2

NM_001123385.2(BCOR):c.4694C>T (p.Thr1565Ile)

Gene: BCOR (BCL6 corepressor; minus strand). Cytogenetic location: Xp11.4.
Variant type: single nucleotide variant.
Coding change: c.4694C>T on transcript NM_001123385.2 (MANE Select); coding-DNA position 4694, C replaced by T.
Protein change: p.Thr1565Ile; replaces threonine 1565 with isoleucine.
Molecular consequence: missense variant.
Genome position (GRCh38, 1-based): chrX:40,055,415, G>A on the plus strand (C>T on the coding strand, the complement: BCOR is on the minus strand). VCF-style: chrX-40055415-G-A. GRCh37 (hg19) VCF-style: chrX-39914668-G-A.
Other names: c.4592C>T, p.Thr1531Ile (NM_001123383.2, NM_017745.6); c.4538C>T, p.Thr1513Ile (NM_001123384.2); short protein forms T1513I, T1531I, T1565I.
Identifiers: ClinVar variation 2660307 (VCV002660307.24), dbSNP rs2519332985, ClinGen allele CA412734838.